The following is an entry in ClinVar:

NM_004618.5(TOP3A):c.48C>G (p.Pro16=)

Genes: TOP3A (DNA topoisomerase III alpha; minus strand), LOC130060427 (ATAC-STARR-seq lymphoblastoid active region 11836; plus strand). Cytogenetic location: 17p11.2.
Variant type: single nucleotide variant.
Coding change: c.48C>G on transcript NM_004618.5 (MANE Select); coding-DNA position 48, C replaced by G.
Protein change: p.Pro16=; no amino-acid change (proline 16 retained).
Molecular consequence: synonymous variant. On other transcripts: 5 prime UTR variant (1).
Genome position (GRCh38, 1-based): chr17:18,314,731, G>C on the plus strand (C>G on the coding strand, the complement: TOP3A is on the minus strand). VCF-style: chr17-18314731-G-C. GRCh37 (hg19) VCF-style: chr17-18218045-G-C.
Other names: c.-164C>G (NM_001320759.2).
Identifiers: ClinVar variation 1694835 (VCV001694835.31), dbSNP rs755649782, ClinGen allele CA8430368.

ClinVar aggregate classification (germline): Likely benign (1 of 4 stars; one submission).

gnomAD v4.1: 46 of 1,586,148 alleles (0.0029%); highest among the groups gnomAD compares: Non-Finnish European, 0.0039%; no homozygotes.

Submission:

CeGaT Center for Human Genetics Tuebingen
Classification: Likely benign. Last evaluated: 2022-05-01. Review status: criteria provided, single submitter. Criteria: CeGaT Center For Human Genetics Tuebingen Variant Classification Criteria Version 2. Collection method: clinical testing. Allele origin: germline. Affected: yes. Observed: 1 variant allele.
Comment: TOP3A: BP4, BP7